The following is an entry in ClinVar:

ClinVar aggregate classification (germline): Uncertain significance (1 of 4 stars; one submission).

Conditions:
Nephrolithiasis/nephrocalcinosis. Identifiers: MedGen CN580796.

Submission:

Ambry Genetics
Classification: Uncertain significance for Nephrolithiasis/nephrocalcinosis. Last evaluated: 2021-11-18. Review status: criteria provided, single submitter. Criteria: Ambry Variant Classification Scheme 2023. Collection method: clinical testing. Allele origin: germline.
Comment: The p.A198T variant (also known as c.592G>A), located in coding exon 3 of the CASR gene, results from a G to A substitution at nucleotide position 592. The alanine at codon 198 is replaced by threonine, an amino acid with similar properties. This amino acid position is highly conserved in available vertebrate species. In addition, this alteration is predicted to be deleterious by in silico analysis. Since supporting evidence is limited at this time, the clinical significance of this alteration remains unclear.

NM_000388.4(CASR):c.592G>A (p.Ala198Thr)

Gene: CASR (calcium sensing receptor; plus strand). Cytogenetic location: 3q21.1.
Variant type: single nucleotide variant.
Coding change: c.592G>A on transcript NM_000388.4 (MANE Select); coding-DNA position 592, G replaced by A.
Protein change: p.Ala198Thr; replaces alanine 198 with threonine.
Molecular consequence: missense variant.
Genome position (GRCh38, 1-based): chr3:122,261,627, G>A. VCF-style: chr3-122261627-G-A. GRCh37 (hg19) VCF-style: chr3-121980474-G-A.
Other names: c.592G>A, p.Ala198Thr (NM_001178065.2); short protein forms A198T.
Identifiers: ClinVar variation 1750555 (VCV001750555.2), dbSNP rs2473225535, ClinGen allele CA354150919.
Genomic context (GRCh38, chr3:122,261,627, plus strand): 5'-AATCAATTCAAGTCTTTCCTCCGAACCATCCCCAATGATGAGCACCAGGCCACTGCCATG[G>A]CAGACATCATCGAGTATTTCCGCTGGAACTGGGTGGGCACAATTGCAGCTGATGACGACT-3'
Protein context (NP_000379.3, residues 188-208): PNDEHQATAM[Ala198Thr]DIIEYFRWNW